The following is an entry in ClinVar:

NM_000256.3(MYBPC3):c.1871A>G (p.Asn624Ser)

Gene: MYBPC3 (myosin binding protein C3; minus strand). Cytogenetic location: 11p11.2.
Variant type: single nucleotide variant.
Coding change: c.1871A>G on transcript NM_000256.3 (MANE Select); coding-DNA position 1871, A replaced by G.
Protein change: p.Asn624Ser; replaces asparagine 624 with serine.
Molecular consequence: missense variant.
Genome position (GRCh38, 1-based): chr11:47,341,164, T>C on the plus strand (A>G on the coding strand, the complement: MYBPC3 is on the minus strand). VCF-style: chr11-47341164-T-C. GRCh37 (hg19) VCF-style: chr11-47362715-T-C.
Other names: short protein forms N624S.
Identifiers: ClinVar variation 4751125 (VCV004751125.1).

ClinVar aggregate classification (germline): Uncertain significance (1 of 4 stars; one submission).

Conditions:
Hypertrophic cardiomyopathy. Also called: HYPERTROPHIC MYOCARDIOPATHY. Identifiers: Orphanet 217569, MedGen C0007194, MeSH D002312, MONDO:0005045, HP:0001639.

gnomAD v4.1: 5 of 1,593,856 alleles (0.00031%); highest among the groups gnomAD compares: South Asian, 0.0057%; no homozygotes.

Submission:

Labcorp Genetics (formerly Invitae), Labcorp
Classification: Uncertain significance for Hypertrophic cardiomyopathy. Last evaluated: 2025-09-10. Review status: criteria provided, single submitter. Criteria: Invitae Variant Classification Sherloc (09022015). Collection method: clinical testing. Allele origin: germline.
Comment: This sequence change replaces asparagine, which is neutral and polar, with serine, which is neutral and polar, at codon 624 of the MYBPC3 protein (p.Asn624Ser). The frequency data for this variant in the population databases is considered unreliable, as metrics indicate poor data quality at this position in the gnomAD database. This missense change has been observed in individual(s) with MYBPC3-related conditions (PMID: 37652022). An algorithm developed to predict the effect of missense changes on protein structure and function (PolyPhen-2) suggests that this variant is likely to be disruptive. In summary, the available evidence is currently insufficient to determine the role of this variant in disease. Therefore, it has been classified as a Variant of Uncertain Significance.

Literature cited by the submitters: PubMed 37652022.